The following is an entry in ClinVar:

ClinVar aggregate classification (germline): Uncertain significance (1 of 4 stars; one submission).

Submission:

Labcorp Genetics (formerly Invitae), Labcorp
Classification: Uncertain significance. Last evaluated: 2025-05-04. Review status: criteria provided, single submitter. Criteria: Invitae Variant Classification Sherloc (09022015). Collection method: clinical testing. Allele origin: germline.
Comment: This sequence change replaces serine, which is neutral and polar, with glycine, which is neutral and non-polar, at codon 85 of the PACS2 protein (p.Ser85Gly). Information on the frequency of this variant in the gnomAD database is not available, as this variant may be reported differently in the database. This variant has not been reported in the literature in individuals affected with PACS2-related conditions. ClinVar contains an entry for this variant (Variation ID: 2960044). Experimental studies and prediction algorithms are not available or were not evaluated, and the functional significance of this variant is currently unknown. In summary, the available evidence is currently insufficient to determine the role of this variant in disease. Therefore, it has been classified as a Variant of Uncertain Significance.

NM_001100913.3(PACS2):c.252_253delinsAG (p.Ser85Gly)

Gene: PACS2 (phosphofurin acidic cluster sorting protein 2; plus strand). Cytogenetic location: 14q32.33.
Variant type: Indel.
Coding change: c.252_253delinsAG on transcript NM_001100913.3 (MANE Select); coding-DNA positions 252 to 253, CA replaced by AG.
Protein change: p.Ser85Gly; replaces serine 85 with glycine.
Molecular consequence: missense variant.
Genome position (GRCh38, 1-based): chr14:105,352,422-105,352,423, CA replaced by AG. VCF-style: chr14-105352422-CA-AG. GRCh37 (hg19) VCF-style: chr14-105818759-CA-AG.
Other names: c.51_52delinsAG, p.Ser18Gly (NM_001243127.3); c.252_253delinsAG, p.Ser85Gly (NM_015197.4); short protein forms S18G, S85G.
Identifiers: ClinVar variation 2960044 (VCV002960044.3), dbSNP rs2544554002, ClinGen allele CA2740097227.
Genomic context (GRCh38, chr14:105,352,422, plus strand): 5'-TCTTGCTTAATCACAGGGCTCCAAACGAATCCTGCGGTCCCATGAGATTGTGCTGCCCCC[CA>AG]GTGGACAAGTGGAGACAGACCTGGCCCTGACCTTCTCCTTGCAGGTGAGTCTTTCACCAG-3'
Protein context (NP_001094383.2, residues 75-95): LRSHEIVLPP[Ser85Gly]GQVETDLALT